The following is an entry in ClinVar:

NM_003482.4(KMT2D):c.9739C>T (p.Leu3247=)

Gene: KMT2D (lysine methyltransferase 2D; minus strand). Cytogenetic location: 12q13.12.
Variant type: single nucleotide variant.
Coding change: c.9739C>T on transcript NM_003482.4 (MANE Select); coding-DNA position 9739, C replaced by T.
Protein change: p.Leu3247=; no amino-acid change (leucine 3247 retained).
Molecular consequence: synonymous variant.
Genome position (GRCh38, 1-based): chr12:49,037,617, G>A on the plus strand (C>T on the coding strand, the complement: KMT2D is on the minus strand). VCF-style: chr12-49037617-G-A. GRCh37 (hg19) VCF-style: chr12-49431400-G-A.
Identifiers: ClinVar variation 790965 (VCV000790965.24), dbSNP rs374732657, ClinGen allele CA6546650.

ClinVar aggregate classification (germline): Likely benign. Review status: criteria provided, multiple submitters, no conflicts (2 of 4 stars). 3 submissions from 3 submitters: Likely benign (2). 1 of the submissions does not count toward it. Last evaluated 2025-12-24.

Conditions:
KMT2D-related disorder. Also called: KMT2D-Related Disorders.
Kabuki syndrome. Also called: NIIKAWA-KUROKI SYNDROME; Kabuki make-up syndrome. Identifiers: Orphanet 2322, MedGen C0796004, MONDO:0016512.

Allele frequency attached by ClinVar (database versions not stated): gnomAD 0.00001 and 0.00002; gnomAD exomes 0.00006; TOPMed 0.00007; ESP Exome Variant Server 0.00016; ExAC 0.00024.
gnomAD v4.1: 82 of 1,562,034 alleles (0.0052%); highest among the groups gnomAD compares: Non-Finnish European, 0.0069%; no homozygotes.

Submissions (3):

Labcorp Genetics (formerly Invitae), Labcorp
Classification: Likely benign for Kabuki syndrome. Last evaluated: 2025-12-24. Review status: criteria provided, single submitter. Criteria: Invitae Variant Classification Sherloc (09022015). Collection method: clinical testing. Allele origin: germline.

CeGaT Center for Human Genetics Tuebingen
Classification: Likely benign. Last evaluated: 2025-06-01. Review status: criteria provided, single submitter. Criteria: CeGaT Center For Human Genetics Tuebingen Variant Classification Criteria Version 2. Collection method: clinical testing. Allele origin: germline. Affected: yes. Observed: 2 variant alleles.
Comment: KMT2D: BP4

PreventionGenetics, part of Exact Sciences
Classification: Likely benign for KMT2D-related condition. Last evaluated: 2021-04-02. Review status: no assertion criteria provided. Collection method: clinical testing. Allele origin: germline. Not counted in ClinVar's aggregate classification.
Comment: This variant is classified as likely benign based on ACMG/AMP sequence variant interpretation guidelines (Richards et al. 2015 PMID: 25741868, with internal and published modifications).